The following is an entry in ClinVar:

NM_001184.4(ATR):c.637C>T (p.Leu213Phe)

Gene: ATR (ATR checkpoint kinase; minus strand). Cytogenetic location: 3q23.
Variant type: single nucleotide variant.
Coding change: c.637C>T on transcript NM_001184.4 (MANE Select); coding-DNA position 637, C replaced by T.
Protein change: p.Leu213Phe; replaces leucine 213 with phenylalanine.
Molecular consequence: missense variant.
Genome position (GRCh38, 1-based): chr3:142,562,765, G>A on the plus strand (C>T on the coding strand, the complement: ATR is on the minus strand). VCF-style: chr3-142562765-G-A. GRCh37 (hg19) VCF-style: chr3-142281607-G-A.
Other names: c.637C>T, p.Leu213Phe (NM_001354579.2); short protein forms L213F.
Identifiers: ClinVar variation 1753162 (VCV001753162.2), dbSNP rs1333914311, ClinGen allele CA354826173.

ClinVar aggregate classification (germline): Uncertain significance (1 of 4 stars; one submission).

Conditions:
Inborn genetic diseases. Identifiers: MedGen C0950123, MeSH D030342.

gnomAD v4.1: 2 of 1,611,394 alleles (0.00012%); highest among the groups gnomAD compares: East Asian, 0.0045%; no homozygotes.

Submission:

Ambry Genetics
Classification: Uncertain significance for Inborn genetic diseases. Last evaluated: 2021-10-04. Review status: criteria provided, single submitter. Criteria: Ambry Variant Classification Scheme 2023. Collection method: clinical testing. Allele origin: germline.
Comment: The p.L213F variant (also known as c.637C>T), located in coding exon 4 of the ATR gene, results from a C to T substitution at nucleotide position 637. The leucine at codon 213 is replaced by phenylalanine, an amino acid with highly similar properties. This amino acid position is conserved. In addition, the in silico prediction for this alteration is inconclusive. Since supporting evidence is limited at this time, the clinical significance of this alteration remains unclear.